The following is an entry in ClinVar:

NM_000206.3(IL2RG):c.100G>T (p.Glu34Ter)

Genes: IL2RG (interleukin 2 receptor subunit gamma; minus strand), LOC126863274 (MED14-independent group 3 enhancer GRCh37_chrX:70330888-70332087; plus strand). Cytogenetic location: Xq13.1.
Variant type: single nucleotide variant.
Coding change: c.100G>T on transcript NM_000206.3 (MANE Select); coding-DNA position 100, G replaced by T.
Protein change: p.Glu34Ter; replaces glutamic acid 34 with a stop codon.
Molecular consequence: nonsense.
Genome position (GRCh38, 1-based): chrX:71,111,440, C>A on the plus strand (G>T on the coding strand, the complement: IL2RG is on the minus strand). VCF-style: chrX-71111440-C-A. GRCh37 (hg19) VCF-style: chrX-70331290-C-A.
Other names: NM_000206.3(IL2RG):c.100G>T; p.Glu34Ter; short protein forms E34*.
Identifiers: ClinVar variation 463378 (VCV000463378.7), dbSNP rs1556331272, ClinGen allele CA413497595.

ClinVar aggregate classification (germline): Likely pathogenic. Review status: reviewed by expert panel (3 of 4 stars). 2 submissions from 2 submitters: Likely pathogenic (1). 1 of the submissions does not count toward it. Last evaluated 2024-06-14.

Conditions:
X-linked severe combined immunodeficiency (SCIDX1). Also called: T-B+ severe combined immunodeficiency due to gamma chain deficiency; IMMUNODEFICIENCY 4; X-Linked Combined Immunodeficiency Diseases; SCID, X-LINKED; SEVERE COMBINED IMMUNODEFICIENCY, X-LINKED, T CELL-NEGATIVE, B CELL-POSITIVE, NK CELL-NEGATIVE. Identifiers: Orphanet 276, MedGen C6022468, MONDO:0010315, OMIM 300400. Disease mechanism: loss of function.

Submissions (2):

ClinGen Severe Combined Immunodeficiency Variant Curation Expert Panel, ClinGen
Classification: Likely pathogenic for X-linked severe combined immunodeficiency. Last evaluated: 2024-06-14. Review status: reviewed by expert panel. Criteria: ClinGen SCID ACMG Specifications IL2RG V1.0.0. Collection method: curation. Allele origin: germline. Inheritance: X-linked inheritance.
Comment: The c.100G>T (p.Glu34Ter) (NM_000206.3) variant in IL2RG is a nonsense variant predicted to cause a premature stop codon in biologically-relevant-exon 1/8 leading to nonsense-mediated decay in a gene in which loss-of-function is an established disease mechanism (PVS1).The variant is absent in gnomAD v4 (PM2_supporting). There are no publications for this variant in the literature. In summary, this variant meets the criteria to be classified as a Likely Pathogenic variant for X-linked severe combined immunodeficiency due to IL2RG deficiency based on the ACMG/AMP criteria applied, as specified by the ClinGen SCID VCEP: PVS1_Met, PM2_supporting (VCEP specifications version 1).

Labcorp Genetics (formerly Invitae), Labcorp
Classification: Pathogenic for X-linked severe combined immunodeficiency. Last evaluated: 2017-07-26. Review status: criteria provided, single submitter. Criteria: Invitae Variant Classification Sherloc (09022015). Collection method: clinical testing. Allele origin: germline. Not counted in ClinVar's aggregate classification.
Comment: This variant is not present in population databases (ExAC no frequency). This sequence change creates a premature translational stop signal (p.Glu34*) in the IL2RG gene. It is expected to result in an absent or disrupted protein product. While this particular variant has not been reported in the literature, loss-of-function variants in IL2RG are known to be pathogenic (PMID: 9058718, 10794430). For these reasons, this variant has been classified as Pathogenic.

Literature cited by the submitters: PubMed 9058718 (cited by Labcorp Genetics (formerly Invitae), Labcorp); PubMed 10794430 (cited by Labcorp Genetics (formerly Invitae), Labcorp).